The following is an entry in ClinVar:

ClinVar aggregate classification (germline): Uncertain significance (1 of 4 stars; one submission).

Conditions:
Inborn genetic diseases. Identifiers: MedGen C0950123, MeSH D030342.

gnomAD v4.1: 3 of 1,516,034 alleles (0.0002%); highest among the groups gnomAD compares: South Asian, 0.0036%; no homozygotes.

Submission:

Ambry Genetics
Classification: Uncertain significance for Inborn genetic diseases. Last evaluated: 2024-11-17. Review status: criteria provided, single submitter. Criteria: Ambry Variant Classification Scheme 2023. Collection method: clinical testing. Allele origin: germline.
Comment: The p.R77L variant (also known as c.230G>T), located in coding exon 1 of the SH2B3 gene, results from a G to T substitution at nucleotide position 230. The arginine at codon 77 is replaced by leucine, an amino acid with dissimilar properties. This amino acid position is conserved. In addition, this alteration is predicted to be tolerated by in silico analysis. Based on the available evidence, the clinical significance of this variant remains unclear.

NM_005475.3(SH2B3):c.230G>T (p.Arg77Leu)

Gene: SH2B3 (SH2B adaptor protein 3; plus strand). Cytogenetic location: 12q24.12.
Variant type: single nucleotide variant.
Coding change: c.230G>T on transcript NM_005475.3 (MANE Select); coding-DNA position 230, G replaced by T.
Protein change: p.Arg77Leu; replaces arginine 77 with leucine.
Molecular consequence: missense variant.
Genome position (GRCh38, 1-based): chr12:111,418,375, G>T. VCF-style: chr12-111418375-G-T. GRCh37 (hg19) VCF-style: chr12-111856179-G-T.
Other names: short protein forms R77L.
Identifiers: ClinVar variation 3440724 (VCV003440724.1).
Genomic context (GRCh38, chr12:111,418,375, plus strand): 5'-CGCTGCGCGCCGAGCTGGTGTCGCTGCAGTTCACCGACCTCTTCCAGCGCTACTTCTGCC[G>T]CGAGGTGCGCGACGGACGGGCGCCGGGCCGCGACTACCGGGACACAGGCCGTGGGCCCCC-3'
Protein context (NP_005466.1, residues 67-87): FTDLFQRYFC[Arg77Leu]EVRDGRAPGR